The following is an entry in ClinVar:

NM_015294.6(TRIM37):c.450del (p.Arg151fs)

Gene: TRIM37 (tripartite motif containing 37; minus strand). Cytogenetic location: 17q22.
Variant type: Deletion.
Coding change: c.450del on transcript NM_015294.6 (MANE Select); coding-DNA position 450, one base deleted (T; older notation c.450delT).
Protein change: p.Arg151fs; shifts the reading frame from arginine 151.
Molecular consequence: frameshift variant. On other transcripts: 5 prime UTR variant (2), non-coding transcript variant (2).
Genome position (GRCh38, 1-based): chr17:59,081,139, A deleted on the plus strand (T on the coding strand, the reverse complement: TRIM37 is on the minus strand); the first of 2 consecutive A bases (chr17:59,081,139-59,081,140); deleting either gives the same sequence. VCF-style (leftmost placement, unchanged base first): chr17-59081138-GA-G. GRCh37 (hg19) VCF-style: chr17-57158499-GA-G.
Other names: c.450del, p.Arg151fs (NM_001005207.5, NM_001320988.3, NM_001320989.3 and 2 more transcripts); c.348del, p.Arg117fs (NM_001320987.3, NM_001353082.2); c.84del, p.Arg29fs (NM_001320990.3); c.-303del (NM_001353083.2); c.-13del (NM_001353085.2); short protein forms R29fs, R151fs, R117fs.
Identifiers: ClinVar variation 2839946 (VCV002839946.3), dbSNP rs1449554570, ClinGen allele CA626744966.

ClinVar aggregate classification (germline): Pathogenic (1 of 4 stars; one submission).

Submission:

Labcorp Genetics (formerly Invitae), Labcorp
Classification: Pathogenic. Last evaluated: 2023-02-22. Review status: criteria provided, single submitter. Criteria: Invitae Variant Classification Sherloc (09022015). Collection method: clinical testing. Allele origin: germline.
Comment: For these reasons, this variant has been classified as Pathogenic. Algorithms developed to predict the effect of sequence changes on RNA splicing suggest that this variant may disrupt the consensus splice site. This variant has not been reported in the literature in individuals affected with TRIM37-related conditions. This variant is present in population databases (no rsID available, gnomAD 0.01%). This sequence change creates a premature translational stop signal (p.Arg151Valfs*7) in the TRIM37 gene. It is expected to result in an absent or disrupted protein product. Loss-of-function variants in TRIM37 are known to be pathogenic (PMID: 10888877, 15108285).

Literature cited by the submitters: PubMed 10888877; PubMed 15108285.